The following is an entry in ClinVar:

NM_001347721.2(DYRK1A):c.2089T>C (p.Ser697Pro)

Gene: DYRK1A (dual specificity tyrosine phosphorylation regulated kinase 1A; plus strand). Cytogenetic location: 21q22.13.
Variant type: single nucleotide variant.
Coding change: c.2089T>C on transcript NM_001347721.2 (MANE Select); coding-DNA position 2089, T replaced by C.
Protein change: p.Ser697Pro; replaces serine 697 with proline.
Molecular consequence: missense variant. On other transcripts: 3 prime UTR variant (2).
Genome position (GRCh38, 1-based): chr21:37,512,355, T>C. VCF-style: chr21-37512355-T-C. GRCh37 (hg19) VCF-style: chr21-38884658-T-C.
Other names: c.2116T>C (NM_001396.3); c.2089T>C, p.Ser697Pro (NM_001347722.2, NM_130436.2); c.2002T>C, p.Ser668Pro (NM_001347723.2); c.2116T>C, p.Ser706Pro (NM_001396.5); c.*492T>C (NM_101395.2); c.*401T>C (NM_130438.2); short protein forms S706P, S668P, S697P.
Identifiers: ClinVar variation 2043111 (VCV002043111.5), dbSNP rs2518097738, ClinGen allele CA409940785.

ClinVar aggregate classification (germline): Uncertain significance. Review status: criteria provided, multiple submitters, no conflicts (2 of 4 stars). 2 submissions from 2 submitters: Uncertain significance (2). Last evaluated 2026-01-09.

Conditions:
Inborn genetic diseases. Identifiers: MedGen C0950123, MeSH D030342.
DYRK1A-related intellectual disability syndrome (MRD7). Also called: DYRK1A Syndrome; Intellectual developmental disorder, autosomal dominant 7. Identifiers: Orphanet 464306, MedGen C5568143, MONDO:0013578, OMIM 614104.

Submissions (2):

Ambry Genetics
Classification: Uncertain significance for Inborn genetic diseases. Last evaluated: 2026-01-09. Review status: criteria provided, single submitter. Criteria: Ambry Variant Classification Scheme 2023. Collection method: clinical testing. Allele origin: germline.

Labcorp Genetics (formerly Invitae), Labcorp
Classification: Uncertain significance for DYRK1A-related intellectual disability syndrome. Last evaluated: 2024-01-22. Review status: criteria provided, single submitter. Criteria: Invitae Variant Classification Sherloc (09022015). Collection method: clinical testing. Allele origin: germline.
Comment: This sequence change replaces serine, which is neutral and polar, with proline, which is neutral and non-polar, at codon 706 of the DYRK1A protein (p.Ser706Pro). This variant is not present in population databases (gnomAD no frequency). This variant has not been reported in the literature in individuals affected with DYRK1A-related conditions. ClinVar contains an entry for this variant (Variation ID: 2043111). An algorithm developed to predict the effect of missense changes on protein structure and function (PolyPhen-2) suggests that this variant is likely to be disruptive. In summary, the available evidence is currently insufficient to determine the role of this variant in disease. Therefore, it has been classified as a Variant of Uncertain Significance.